The following is an entry in ClinVar:

NM_001371623.1(TCOF1):c.2783A>G (p.Lys928Arg)

Gene: TCOF1 (treacle ribosome biogenesis factor 1; plus strand). Cytogenetic location: 5q32.
Variant type: single nucleotide variant.
Coding change: c.2783A>G on transcript NM_001371623.1 (MANE Select); coding-DNA position 2783, A replaced by G.
Protein change: p.Lys928Arg; replaces lysine 928 with arginine.
Molecular consequence: missense variant.
Genome position (GRCh38, 1-based): chr5:150,379,656, A>G. VCF-style: chr5-150379656-A-G. GRCh37 (hg19) VCF-style: chr5-149759219-A-G.
Other names: c.2783A>G, p.Lys928Arg (NM_001135244.2, NM_001195141.2, NM_001008657.3 and 1 more transcripts); c.2552A>G, p.Lys851Arg (NM_001135245.2, NM_001437406.1, NM_000356.4); short protein forms K851R, K928R.
Identifiers: ClinVar variation 4805873 (VCV004805873.1).

ClinVar aggregate classification (germline): Uncertain significance (1 of 4 stars; one submission).

Conditions:
Treacher Collins syndrome 1 (TCS1). Also called: TCOF1-Related Treacher Collins Syndrome. Identifiers: Orphanet 861, MedGen CN315775, MONDO:0007944, OMIM 154500.

gnomAD v4.1: 18 of 1,613,802 alleles (0.0011%); highest among the groups gnomAD compares: Admixed American, 0.03%; no homozygotes.

Submission:

Labcorp Genetics (formerly Invitae), Labcorp
Classification: Uncertain significance for Treacher Collins syndrome 1. Last evaluated: 2025-12-30. Review status: criteria provided, single submitter. Criteria: Invitae Variant Classification Sherloc (09022015). Collection method: clinical testing. Allele origin: germline.
Comment: This sequence change replaces lysine, which is basic and polar, with arginine, which is basic and polar, at codon 928 of the TCOF1 protein (p.Lys928Arg). This variant is present in population databases (rs780384341, gnomAD 0.04%), and has an allele count higher than expected for a pathogenic variant. This variant has not been reported in the literature in individuals affected with TCOF1-related conditions. Invitae Evidence Modeling of protein sequence and biophysical properties (such as structural, functional, and spatial information, amino acid conservation, physicochemical variation, residue mobility, and thermodynamic stability) indicates that this missense variant is not expected to disrupt TCOF1 protein function with a negative predictive value of 80%. In summary, the available evidence is currently insufficient to determine the role of this variant in disease. Therefore, it has been classified as a Variant of Uncertain Significance.